The following is an entry in ClinVar:

NM_001010867.4(IBA57):c.-9T>G

Gene: IBA57 (iron-sulfur cluster assembly factor IBA57; plus strand). Cytogenetic location: 1q42.13.
Variant type: single nucleotide variant.
Coding change: c.-9T>G on transcript NM_001010867.4 (MANE Select); 9 bases upstream of the start codon, T replaced by G.
Molecular consequence: 5 prime UTR variant.
Genome position (GRCh38, 1-based): chr1:228,165,808, T>G. VCF-style: chr1-228165808-T-G. GRCh37 (hg19) VCF-style: chr1-228353509-T-G.
Identifiers: ClinVar variation 512242 (VCV000512242.1), dbSNP rs1189542525, ClinGen allele CA658795616.

ClinVar aggregate classification (germline): Likely benign (1 of 4 stars; one submission).

Allele frequency attached by ClinVar (database versions not stated): gnomAD 0.00001; TOPMed 0.00001.
gnomAD v4.1: 2 of 1,293,580 alleles (0.00015%); highest among the groups gnomAD compares: Non-Finnish European, 0.000098%; no homozygotes.

Submission:

GeneDx
Classification: Likely benign. Last evaluated: 2017-10-09. Review status: criteria provided, single submitter. Criteria: GeneDx Variant Classification (06012015). Collection method: clinical testing. Allele origin: germline. Affected: yes.
Comment: This variant is considered likely benign or benign based on one or more of the following criteria: it is a conservative change, it occurs at a poorly conserved position in the protein, it is predicted to be benign by multiple in silico algorithms, and/or has population frequency not consistent with disease.